The following is an entry in ClinVar:

ClinVar aggregate classification (germline): Uncertain significance (1 of 4 stars; one submission).

Conditions:
Dilated cardiomyopathy 1W (CMD1W). Identifiers: Orphanet 154, MedGen C1969639, MONDO:0012667, OMIM 611407.

gnomAD v4.1: 4 of 1,614,184 alleles (0.00025%); highest among the groups gnomAD compares: Non-Finnish European, 0.00025%; no homozygotes.

Submission:

Labcorp Genetics (formerly Invitae), Labcorp
Classification: Uncertain significance for Dilated cardiomyopathy 1W. Last evaluated: 2025-11-17. Review status: criteria provided, single submitter. Criteria: Invitae Variant Classification Sherloc (09022015). Collection method: clinical testing. Allele origin: germline.
Comment: This sequence change replaces glycine, which is neutral and non-polar, with tryptophan, which is neutral and slightly polar, at codon 564 of the VCL protein (p.Gly564Trp). This variant is present in population databases (rs374538684, gnomAD 0.007%). This variant has not been reported in the literature in individuals affected with VCL-related conditions. An algorithm developed to predict the effect of missense changes on protein structure and function (PolyPhen-2) suggests that this variant is likely to be disruptive. In summary, the available evidence is currently insufficient to determine the role of this variant in disease. Therefore, it has been classified as a Variant of Uncertain Significance.

NM_014000.3(VCL):c.1690G>T (p.Gly564Trp)

Gene: VCL (vinculin; plus strand). Cytogenetic location: 10q22.2.
Variant type: single nucleotide variant.
Coding change: c.1690G>T on transcript NM_014000.3 (MANE Select); coding-DNA position 1690, G replaced by T.
Protein change: p.Gly564Trp; replaces glycine 564 with tryptophan.
Molecular consequence: missense variant.
Genome position (GRCh38, 1-based): chr10:74,095,802, G>T. VCF-style: chr10-74095802-G-T. GRCh37 (hg19) VCF-style: chr10-75855560-G-T.
Other names: c.1690G>T, p.Gly564Trp (NM_003373.4); short protein forms G564W.
Identifiers: ClinVar variation 4701103 (VCV004701103.1).